The following is an entry in ClinVar:

ClinVar aggregate classification (germline): Uncertain significance. Review status: criteria provided, multiple submitters, no conflicts (2 of 4 stars). 2 submissions from 2 submitters: Uncertain significance (2). Last evaluated 2024-04-03.

Conditions:
Ataxia-telangiectasia syndrome (AT). Also called: ATAXIA-TELANGIECTASIA, FRESNO VARIANT; ATAXIA-TELANGIECTASIA, COMPLEMENTATION GROUP A; Ataxia-telangiectasia, complementation group D; AT, COMPLEMENTATION GROUP C; Ataxia telangiectasia (A-T); LOUIS-BAR SYNDROME. Identifiers: Orphanet 100, MedGen C0004135, MONDO:0008840, OMIM 208900.

Submissions (2):

Labcorp Genetics (formerly Invitae), Labcorp
Classification: Uncertain significance for Ataxia-telangiectasia syndrome. Last evaluated: 2024-04-03. Review status: criteria provided, single submitter. Criteria: Invitae Variant Classification Sherloc (09022015). Collection method: clinical testing. Allele origin: germline.
Comment: This sequence change replaces isoleucine, which is neutral and non-polar, with serine, which is neutral and polar, at codon 1093 of the ATM protein (p.Ile1093Ser). This variant is not present in population databases (gnomAD no frequency). This variant has not been reported in the literature in individuals affected with ATM-related conditions. ClinVar contains an entry for this variant (Variation ID: 1436210). An algorithm developed to predict the effect of missense changes on protein structure and function (PolyPhen-2) suggests that this variant is likely to be tolerated. In summary, the available evidence is currently insufficient to determine the role of this variant in disease. Therefore, it has been classified as a Variant of Uncertain Significance.

GeneDx
Classification: Uncertain significance. Last evaluated: 2022-05-26. Review status: criteria provided, single submitter. Criteria: GeneDx Variant Classification Process June 2021. Collection method: clinical testing. Allele origin: germline. Affected: yes.
Comment: Not observed at significant frequency in large population cohorts (gnomAD); In silico analysis supports that this missense variant has a deleterious effect on protein structure/function; Has not been previously published as pathogenic or benign to our knowledge; This variant is associated with the following publications: (PMID: 19781682)

NM_000051.4(ATM):c.3278T>G (p.Ile1093Ser)

Gene: ATM (ATM serine/threonine kinase; plus strand). Cytogenetic location: 11q22.3.
Variant type: single nucleotide variant.
Coding change: c.3278T>G on transcript NM_000051.4 (MANE Select); coding-DNA position 3278, T replaced by G.
Protein change: p.Ile1093Ser; replaces isoleucine 1093 with serine.
Molecular consequence: missense variant.
Genome position (GRCh38, 1-based): chr11:108,272,846, T>G. VCF-style: chr11-108272846-T-G. GRCh37 (hg19) VCF-style: chr11-108143573-T-G.
Other names: c.3278T>G, p.Ile1093Ser (NM_001351834.2); short protein forms I1093S.
Identifiers: ClinVar variation 1436210 (VCV001436210.9), dbSNP rs2135573226, ClinGen allele CA382516238.
Genomic context (GRCh38, chr11:108,272,846, plus strand): 5'-TATTTACACAATTTCTTGCTGACAATCATCACCAAGTTCGCATGTTGGCTGCAGAGTCAA[T>G]CAATAGGTAATGGGTCAAATATTCATGAAGTATTTGGAATGCTGCAGATGGCAGTAGAAT-3'
Protein context (NP_000042.3, residues 1083-1103): HQVRMLAAES[Ile1093Ser]NRLFQDTKGD